The following is an entry in ClinVar:

ClinVar aggregate classification (germline): other (0 of 4 stars; one submission).

Conditions:
Familial colorectal cancer. Identifiers: MedGen CN280943, MONDO:0023113. Disease mechanism: loss of function.

Submission:

Systems Biology Platform Zhejiang California International NanoSystems Institute
Classification: other for Familial colorectal cancer. Review status: no assertion criteria provided. Collection method: not provided. Allele origin: unknown.
ClinVar note: Converted during submission from cancer to other.

NM_000038.6(APC):c.1744-1489T>G

Gene: APC (APC regulator of WNT signaling pathway; plus strand). Cytogenetic location: 5q22.2.
Variant type: single nucleotide variant.
Coding change: c.1744-1489T>G on transcript NM_000038.6 (MANE Select); 1489 bases into the intron before coding-DNA position 1744, T replaced by G.
Molecular consequence: intron variant.
Genome position (GRCh38, 1-based): chr5:112,833,462, T>G. VCF-style: chr5-112833462-T-G. GRCh37 (hg19) VCF-style: chr5-112169159-T-G.
Other names: c.1744-1489T>G (NM_001354895.2, NM_001127510.3); c.1774-1489T>G (NM_001354897.2); c.1471-1489T>G (NM_001354902.2); c.1690-1489T>G (NM_001127511.3); c.1669-1489T>G (NM_001354898.2); c.1366-1489T>G (NM_001354904.2); c.895-1489T>G (NM_001354906.2); c.1798-1489T>G (NM_001354896.2); and 5 more.
Identifiers: ClinVar variation 82608 (VCV000082608.2), dbSNP rs77700642, ClinGen allele CA005753.